The following is an entry in ClinVar:

ClinVar aggregate classification (germline): Uncertain significance. Review status: criteria provided, multiple submitters, no conflicts (2 of 4 stars). 2 submissions from 2 submitters: Uncertain significance (2). Last evaluated 2024-09-19.

Allele frequency attached by ClinVar (database versions not stated): gnomAD exomes below 0.00001.
gnomAD v4.1: 3 of 1,589,432 alleles (0.00019%); highest among the groups gnomAD compares: Non-Finnish European, 0.000085%; no homozygotes.

Submissions (2):

Blueprint Genetics
Classification: Uncertain significance. Last evaluated: 2024-09-19. Review status: criteria provided, single submitter. Criteria: ACMG Guidelines, 2015. Collection method: clinical testing. Allele origin: germline.

Labcorp Genetics (formerly Invitae), Labcorp
Classification: Uncertain significance. Last evaluated: 2021-12-30. Review status: criteria provided, single submitter. Criteria: Invitae Variant Classification Sherloc (09022015). Collection method: clinical testing. Allele origin: germline.
Comment: In summary, the available evidence is currently insufficient to determine the role of this variant in disease. Therefore, it has been classified as a Variant of Uncertain Significance. Algorithms developed to predict the effect of missense changes on protein structure and function are either unavailable or do not agree on the potential impact of this missense change (SIFT: "Tolerated"; PolyPhen-2: "Possibly Damaging"; Align-GVGD: "Class C0"). This variant has not been reported in the literature in individuals affected with P3H2-related conditions. This variant is not present in population databases (gnomAD no frequency). This sequence change replaces proline, which is neutral and non-polar, with histidine, which is basic and polar, at codon 131 of the P3H2 protein (p.Pro131His).

NM_018192.4(P3H2):c.392C>A (p.Pro131His)

Gene: P3H2 (prolyl 3-hydroxylase 2; minus strand). Cytogenetic location: 3q28.
Variant type: single nucleotide variant.
Coding change: c.392C>A on transcript NM_018192.4 (MANE Select); coding-DNA position 392, C replaced by A.
Protein change: p.Pro131His; replaces proline 131 with histidine.
Molecular consequence: missense variant. On other transcripts: intron variant (1).
Genome position (GRCh38, 1-based): chr3:190,120,340, G>T on the plus strand (C>A on the coding strand, the complement: P3H2 is on the minus strand). VCF-style: chr3-190120340-G-T. GRCh37 (hg19) VCF-style: chr3-189838129-G-T.
Other names: c.-64+1863C>A (NM_001134418.2); short protein forms P131H.
Identifiers: ClinVar variation 1934545 (VCV001934545.6), dbSNP rs1712501247, ClinGen allele CA355859577.